The following is an entry in ClinVar:

NM_001378120.1(MBD5):c.3728T>C (p.Met1243Thr)

Gene: MBD5 (methyl-CpG binding domain protein 5; plus strand). Cytogenetic location: 2q23.1.
Variant type: single nucleotide variant.
Coding change: c.3728T>C on transcript NM_001378120.1 (MANE Select); coding-DNA position 3728, T replaced by C.
Protein change: p.Met1243Thr; replaces methionine 1243 with threonine.
Molecular consequence: missense variant.
Genome position (GRCh38, 1-based): chr2:148,485,925, T>C. VCF-style: chr2-148485925-T-C. GRCh37 (hg19) VCF-style: chr2-149243494-T-C.
Other names: c.3029T>C, p.Met1010Thr (NM_018328.5); short protein forms M1010T, M1243T.
Identifiers: ClinVar variation 1309526 (VCV001309526.5), dbSNP rs1435405119, ClinGen allele CA348724745.

ClinVar aggregate classification (germline): Uncertain significance. Review status: criteria provided, multiple submitters, no conflicts (2 of 4 stars). 2 submissions from 2 submitters: Uncertain significance (2). Last evaluated 2023-05-20.

Conditions:
Intellectual developmental disorder, autosomal dominant 1. Also called: MBD5 Haploinsufficiency; Intellectual disability, autosomal dominant 1. Identifiers: Orphanet 228402, MedGen C1969562, MONDO:0007974, OMIM 156200.

Allele frequency attached by ClinVar (database versions not stated): gnomAD exomes below 0.00001; TOPMed below 0.00001.

Submissions (2):

Labcorp Genetics (formerly Invitae), Labcorp
Classification: Uncertain significance for Intellectual developmental disorder, autosomal dominant 1. Last evaluated: 2023-05-20. Review status: criteria provided, single submitter. Criteria: Invitae Variant Classification Sherloc (09022015). Collection method: clinical testing. Allele origin: germline.
Comment: In summary, the available evidence is currently insufficient to determine the role of this variant in disease. Therefore, it has been classified as a Variant of Uncertain Significance. Advanced modeling of protein sequence and biophysical properties (such as structural, functional, and spatial information, amino acid conservation, physicochemical variation, residue mobility, and thermodynamic stability) performed at Invitae indicates that this missense variant is not expected to disrupt MBD5 protein function. ClinVar contains an entry for this variant (Variation ID: 1309526). This variant has not been reported in the literature in individuals affected with MBD5-related conditions. This variant is not present in population databases (gnomAD no frequency). This sequence change replaces methionine, which is neutral and non-polar, with threonine, which is neutral and polar, at codon 1010 of the MBD5 protein (p.Met1010Thr).

GeneDx
Classification: Uncertain significance. Last evaluated: 2019-10-09. Review status: criteria provided, single submitter. Criteria: GeneDx Variant Classification Process June 2021. Collection method: clinical testing. Allele origin: germline. Affected: yes.
Comment: Not observed in large population cohorts (Lek et al., 2016); In silico analysis, which includes protein predictors and evolutionary conservation, supports that this variant does not alter protein structure/function; Has not been previously published as pathogenic or benign to our knowledge